The following is an entry in ClinVar:

ClinVar aggregate classification (germline): Benign (1 of 4 stars; one submission).

Conditions:
Leigh syndrome (NULS). Also called: Leigh's necrotizing encephalopathy; Leigh's disease; Leigh's syndrome; LEIGH SYNDROME, NUCLEAR; Leigh Syndrome (mtDNA deletion); Leigh Disease. Identifiers: Orphanet 506, MedGen C2931891, MONDO:0009723, OMIM 256000.

Submission:

Wong Mito Lab, Molecular and Human Genetics, Baylor College of Medicine
Classification: Benign for Leigh syndrome. Last evaluated: 2019-10-17. Review status: criteria provided, single submitter. Criteria: Modified ACMG Guidelines (Unpublished). Collection method: clinical testing. Allele origin: germline.
Comment: The NC_012920.1:m.13819T>C (YP_003024036.1:p.Phe495Leu) variant in MTND5 gene is interpretated to be a Benign variant based on the modified ACMG guidelines (unpublished). This variant meets the following evidence codes: BS1, BS2, BP4

NC_012920.1(MT-ND5):m.13819T>C

Gene: MT-ND5 (mitochondrially encoded NADH dehydrogenase 5; plus strand).
Variant type: single nucleotide variant.
Genome position: chrM-13819-T-C.
Identifiers: ClinVar variation 693617 (VCV000693617.1), dbSNP rs371771942, ClinGen allele CA337099825.
Genomic context (GRCh38, chrMT:13,819, plus strand): 5'-GCATCCCCCTTCCAAACAACAATCCCCCTCTACCTAAAACTCACAGCCCTCGCTGTCACT[T>C]TCCTAGGACTTCTAACAGCCCTAGACCTCAACTACCTAACCAACAAACTTAAAATAAAAT-3'